The following is an entry in ClinVar:

ClinVar aggregate classification (germline): Likely pathogenic (1 of 4 stars; one submission).

Submission:

Ambry Genetics
Classification: Likely pathogenic. Last evaluated: 2026-04-20. Review status: criteria provided, single submitter. Criteria: Ambry Variant Classification Scheme 2023. Collection method: clinical testing. Allele origin: germline.
Comment: The c.446C>T (p.A149V) alteration is located in exon 3 (coding exon 3) of the ATP6V0C gene. This alteration results from a C to T substitution at nucleotide position 446, causing the alanine (A) at amino acid position 149 to be replaced by a valine (V). This variant was not reported in population-based cohorts in the Genome Aggregation Database (gnomAD). Another variant at the same codon, c.445G>A, (p.A149T), has been identified in individual(s) with features consistent with ATP6V0C-related neurodevelopmental disorder (Mattison, 2023). This amino acid position is highly conserved in available vertebrate species. This missense variant is located in a region that has a low rate of benign missense variation (Lek, 2016; Firth, 2009). This alteration is predicted to be deleterious by in silico analysis. Based on the available evidence, this alteration is classified as likely pathogenic.

Literature cited by the submitters: PubMed 36074901.

NM_001694.4(ATP6V0C):c.446C>T (p.Ala149Val)

Gene: ATP6V0C (ATPase H+ transporting V0 subunit c; plus strand). Cytogenetic location: 16p13.3.
Variant type: single nucleotide variant.
Coding change: c.446C>T on transcript NM_001694.4 (MANE Select); coding-DNA position 446, C replaced by T.
Protein change: p.Ala149Val; replaces alanine 149 with valine.
Molecular consequence: missense variant.
Genome position (GRCh38, 1-based): chr16:2,519,723, C>T. VCF-style: chr16-2519723-C-T. GRCh37 (hg19) VCF-style: chr16-2569724-C-T.
Other names: c.446C>T, p.Ala149Val (NM_001198569.2); short protein forms A149V.
Identifiers: ClinVar variation 4867161 (VCV004867161.1).